The following is an entry in ClinVar:

NM_014704.4(CEP104):c.52G>A (p.Gly18Ser)

Gene: CEP104 (centrosomal protein 104; minus strand). Cytogenetic location: 1p36.32.
Variant type: single nucleotide variant.
Coding change: c.52G>A on transcript NM_014704.4 (MANE Select); coding-DNA position 52, G replaced by A.
Protein change: p.Gly18Ser; replaces glycine 18 with serine.
Molecular consequence: missense variant.
Genome position (GRCh38, 1-based): chr1:3,852,356, C>T on the plus strand (G>A on the coding strand, the complement: CEP104 is on the minus strand). VCF-style: chr1-3852356-C-T. GRCh37 (hg19) VCF-style: chr1-3768920-C-T.
Other names: short protein forms G18S.
Identifiers: ClinVar variation 2581139 (VCV002581139.18), dbSNP rs145413305, ClinGen allele CA552081.

ClinVar aggregate classification (germline): Uncertain significance. Review status: criteria provided, multiple submitters, no conflicts (2 of 4 stars). 3 submissions from 3 submitters: Uncertain significance (3). Last evaluated 2025-12-08.

Conditions:
Inborn genetic diseases. Identifiers: MedGen C0950123, MeSH D030342.
Joubert syndrome 25 (JBTS25). Identifiers: Orphanet 475, MedGen C4084842, MONDO:0014770, OMIM 616781.

Allele frequency attached by ClinVar (database versions not stated): gnomAD 0.00011; ESP Exome Variant Server 0.00015.
gnomAD v4.1: 145 of 1,614,012 alleles (0.009%); highest among the groups gnomAD compares: Admixed American, 0.023%; no homozygotes.

Submissions (3):

Ambry Genetics
Classification: Uncertain significance for Inborn genetic diseases. Last evaluated: 2025-12-08. Review status: criteria provided, single submitter. Criteria: Ambry Variant Classification Scheme 2023. Collection method: clinical testing. Allele origin: germline.

CeGaT Center for Human Genetics Tuebingen
Classification: Uncertain significance. Last evaluated: 2025-01-01. Review status: criteria provided, single submitter. Criteria: CeGaT Center For Human Genetics Tuebingen Variant Classification Criteria Version 2. Collection method: clinical testing. Allele origin: germline. Affected: yes. Observed: 1 variant allele.
Comment: CEP104: PM2

Blueprint Genetics
Classification: Uncertain significance. Last evaluated: 2024-11-01. Review status: criteria provided, single submitter. Criteria: ACMG Guidelines, 2015. Collection method: clinical testing. Allele origin: germline.